The following is an entry in ClinVar:

ClinVar aggregate classification (germline): Uncertain significance. Review status: criteria provided, multiple submitters, no conflicts (2 of 4 stars). 2 submissions from 2 submitters: Uncertain significance (2). Last evaluated 2023-02-24.

Conditions:
Dilated cardiomyopathy 1G (CMD1G). Identifiers: Orphanet 154, MedGen C1858763, MONDO:0011400, OMIM 604145.
Autosomal recessive limb-girdle muscular dystrophy type 2J (LGMDR10). Also called: Limb-girdle muscular dystrophy, type 2J; MUSCULAR DYSTROPHY, LIMB-GIRDLE, AUTOSOMAL RECESSIVE 10. Identifiers: Orphanet 140922, MedGen C1837342, MONDO:0012127, OMIM 608807.

Allele frequency attached by ClinVar (database versions not stated): gnomAD 0.00002; gnomAD exomes 0.00002; TOPMed 0.00002; ExAC 0.00003; ESP Exome Variant Server 0.00008.
gnomAD v4.1: 30 of 1,612,410 alleles (0.0019%); highest among the groups gnomAD compares: East Asian, 0.0067%; no homozygotes.

Submissions (2):

GeneDx
Classification: Uncertain significance. Last evaluated: 2023-02-24. Review status: criteria provided, single submitter. Criteria: GeneDx Variant Classification Process June 2021. Collection method: clinical testing. Allele origin: germline. Affected: yes.
Comment: Not observed at significant frequency in large population cohorts (gnomAD); Missense variant in a gene in which most reported pathogenic variants are truncating/loss of function; Has not been previously published as pathogenic or benign to our knowledge

Labcorp Genetics (formerly Invitae), Labcorp
Classification: Uncertain significance for Dilated cardiomyopathy 1G; Autosomal recessive limb-girdle muscular dystrophy type 2J. Last evaluated: 2016-04-07. Review status: criteria provided, single submitter. Criteria: Invitae Variant Classification Sherloc (09022015). Collection method: clinical testing. Allele origin: germline.

NM_001267550.2(TTN):c.33052C>T (p.Arg11018Trp)

Gene: TTN (titin; minus strand). Cytogenetic location: 2q31.2.
Variant type: single nucleotide variant.
Coding change: c.33052C>T on transcript NM_001267550.2 (MANE Select); coding-DNA position 33052, C replaced by T.
Protein change: p.Arg11018Trp; replaces arginine 11018 with tryptophan.
Molecular consequence: missense variant. On other transcripts: intron variant (3).
Genome position (GRCh38, 1-based): chr2:178,682,739, G>A on the plus strand (C>T on the coding strand, the complement: TTN is on the minus strand). VCF-style: chr2-178682739-G-A. GRCh37 (hg19) VCF-style: chr2-179547466-G-A.
Other names: c.33052C>T (NM_001267550.1); c.32101C>T, p.Arg10701Trp (NM_001256850.1); c.29320C>T, p.Arg9774Trp (NM_133378.4); c.13283-40422C>T (NM_003319.4); c.13859-40422C>T (NM_133437.4); c.13658-40422C>T (NM_133432.3); short protein forms R11018W, R9774W, R10701W.
Identifiers: ClinVar variation 405149 (VCV000405149.4), dbSNP rs372118864, ClinGen allele CA1998470.